The following is an entry in ClinVar:

ClinVar aggregate classification (germline): Uncertain significance. Review status: criteria provided, multiple submitters, no conflicts (2 of 4 stars). 2 submissions from 2 submitters: Uncertain significance (2). Last evaluated 2025-04-15.

Conditions:
Inborn genetic diseases. Identifiers: MedGen C0950123, MeSH D030342.

Submissions (2):

Ambry Genetics
Classification: Uncertain significance for Inborn genetic diseases. Last evaluated: 2025-04-15. Review status: criteria provided, single submitter. Criteria: Ambry Variant Classification Scheme 2023. Collection method: clinical testing. Allele origin: germline.

CeGaT Center for Human Genetics Tuebingen
Classification: Uncertain significance. Last evaluated: 2023-06-01. Review status: criteria provided, single submitter. Criteria: CeGaT Center For Human Genetics Tuebingen Variant Classification Criteria Version 2. Collection method: clinical testing. Allele origin: germline. Affected: yes. Observed: 2 variant alleles.
Comment: ABCC6: PM2, PP2

NM_001171.6(ABCC6):c.572C>A (p.Pro191His)

Gene: ABCC6 (ATP binding cassette subfamily C member 6; minus strand). Cytogenetic location: 16p13.11.
Variant type: single nucleotide variant.
Coding change: c.572C>A on transcript NM_001171.6 (MANE Select); coding-DNA position 572, C replaced by A.
Protein change: p.Pro191His; replaces proline 191 with histidine.
Molecular consequence: missense variant. On other transcripts: non-coding transcript variant (1).
Genome position (GRCh38, 1-based): chr16:16,214,352, G>T on the plus strand (C>A on the coding strand, the complement: ABCC6 is on the minus strand). VCF-style: chr16-16214352-G-T. GRCh37 (hg19) VCF-style: chr16-16308209-G-T.
Other names: c.230C>A, p.Pro77His (NM_001351800.1); c.572C>A (NM_001171.5); short protein forms P191H, P77H.
Identifiers: ClinVar variation 1298657 (VCV001298657.35), dbSNP rs1403467139, ClinGen allele CA394892119.
Genomic context (GRCh38, chr16:16,214,352, plus strand): 5'-AACAGGAATGAGGTTGGAACTTGGTGACTTACAGACTGCTGGGGGTCTTCAGGGAAGAAG[G>T]GGGGTTGATCCGCCAGGCAGGACAGCACAAACTGTGCCACCACCAGAGACAGGCATAGGT-3'
Protein context (NP_001162.5, residues 181-201): FVLSCLADQP[Pro191His]FFPEDPQQSN